The following is an entry in ClinVar:

ClinVar aggregate classification (germline): Likely pathogenic (1 of 4 stars; one submission).

Conditions:
Hereditary angioedema type 1 (HAE1). Identifiers: Orphanet 100050, Orphanet 100051, Orphanet 91378, MedGen C2717906, MONDO:0015053, OMIM 106100.

Submission:

DNA-diagnostics Laboratory, Research Centre For Medical Genetics
Classification: Likely pathogenic for Hereditary angioedema type 1. Last evaluated: 2024-06-15. Review status: criteria provided, single submitter. Criteria: ACMG Guidelines, 2015. Collection method: research. Allele origin: germline. Inheritance: Autosomal dominant inheritance. Affected: yes. Observed: 4 variant alleles, 4 heterozygotes.
Comment: The c.599C>T variant in SERPING1 meets ACMG/ClinGen SVI guidance criteria to be classified as likely pathogenic: PP4_Str, PP2, PM2_Sup

NM_000062.3(SERPING1):c.599C>T (p.Pro200Leu)

Gene: SERPING1 (serpin family G member 1; plus strand). Cytogenetic location: 11q12.1.
Variant type: single nucleotide variant.
Coding change: c.599C>T on transcript NM_000062.3 (MANE Select); coding-DNA position 599, C replaced by T.
Protein change: p.Pro200Leu; replaces proline 200 with leucine.
Molecular consequence: missense variant.
Genome position (GRCh38, 1-based): chr11:57,602,083, C>T. VCF-style: chr11-57602083-C-T. GRCh37 (hg19) VCF-style: chr11-57369556-C-T.
Other names: c.599C>T, p.Pro200Leu (NM_001032295.2); short protein forms P200L.
Identifiers: ClinVar variation 3242422 (VCV003242422.2), dbSNP rs1362220560.